The following is an entry in ClinVar:

ClinVar aggregate classification (germline): Uncertain significance. Review status: criteria provided, multiple submitters, no conflicts (2 of 4 stars). 2 submissions from 2 submitters: Uncertain significance (2). Last evaluated 2025-07-21.

Conditions:
Distal myopathy with posterior leg and anterior hand involvement. Also called: WILLIAMS DISTAL MYOPATHY. Identifiers: Orphanet 63273, MedGen C3279722, MONDO:0013550, OMIM 614065.
Myofibrillar myopathy 5. Also called: Filaminopathy (type); FILAMINOPATHY, AUTOSOMAL DOMINANT. Identifiers: Orphanet 171445, MedGen C1836050, MONDO:0012289, OMIM 609524.
Hypertrophic cardiomyopathy 26. Also called: Cardiomyopathy, familial hypertrophic, 26. Identifiers: Orphanet 75249, MedGen C4310749, MONDO:0014883, OMIM 617047.
Cardiovascular phenotype. Identifiers: MedGen CN230736.

Submissions (2):

Ambry Genetics
Classification: Uncertain significance for Cardiovascular phenotype. Last evaluated: 2025-07-21. Review status: criteria provided, single submitter. Criteria: Ambry Variant Classification Scheme 2023. Collection method: clinical testing. Allele origin: germline.
Comment: The p.A266D variant (also known as c.797C>A), located in coding exon 4 of the FLNC gene, results from a C to A substitution at nucleotide position 797. The alanine at codon 266 is replaced by aspartic acid, an amino acid with dissimilar properties. This amino acid position is conserved. In addition, this alteration is predicted to be deleterious by in silico analysis. Based on the available evidence, the clinical significance of this variant remains unclear.

Labcorp Genetics (formerly Invitae), Labcorp
Classification: Uncertain significance for Distal myopathy with posterior leg and anterior hand involvement; Myofibrillar myopathy 5; Hypertrophic cardiomyopathy 26. Last evaluated: 2025-02-20. Review status: criteria provided, single submitter. Criteria: Invitae Variant Classification Sherloc (09022015). Collection method: clinical testing. Allele origin: germline.
Comment: This sequence change replaces alanine, which is neutral and non-polar, with aspartic acid, which is acidic and polar, at codon 266 of the FLNC protein (p.Ala266Asp). This variant is not present in population databases (gnomAD no frequency). This variant has not been reported in the literature in individuals affected with FLNC-related conditions. Invitae Evidence Modeling of protein sequence and biophysical properties (such as structural, functional, and spatial information, amino acid conservation, physicochemical variation, residue mobility, and thermodynamic stability) has been performed for this missense variant. However, the output from this modeling did not meet the statistical confidence thresholds required to predict the impact of this variant on FLNC protein function. In summary, the available evidence is currently insufficient to determine the role of this variant in disease. Therefore, it has been classified as a Variant of Uncertain Significance.

NM_001458.5(FLNC):c.797C>A (p.Ala266Asp)

Gene: FLNC (filamin C; plus strand). Cytogenetic location: 7q32.1.
Variant type: single nucleotide variant.
Coding change: c.797C>A on transcript NM_001458.5 (MANE Select); coding-DNA position 797, C replaced by A.
Protein change: p.Ala266Asp; replaces alanine 266 with aspartic acid.
Molecular consequence: missense variant.
Genome position (GRCh38, 1-based): chr7:128,837,495, C>A. VCF-style: chr7-128837495-C-A. GRCh37 (hg19) VCF-style: chr7-128477549-C-A.
Other names: c.797C>A, p.Ala266Asp (NM_001127487.2); short protein forms A266D.
Identifiers: ClinVar variation 4258281 (VCV004258281.2).